The following is an entry in ClinVar:

ClinVar aggregate classification (germline): Uncertain significance (1 of 4 stars; one submission).

Submission:

GeneDx
Classification: Uncertain significance. Last evaluated: 2024-04-14. Review status: criteria provided, single submitter. Criteria: GeneDx Variant Classification Process June 2021. Collection method: clinical testing. Allele origin: germline. Affected: yes.
Comment: Not observed at significant frequency in large population cohorts (gnomAD); In silico analysis supports that this missense variant has a deleterious effect on protein structure/function; Has not been previously published as pathogenic or benign to our knowledge

NM_000257.4(MYH7):c.4429C>T (p.Leu1477Phe)

Genes: MHRT (myosin heavy chain associated RNA transcript; plus strand), MYH7 (myosin heavy chain 7; minus strand). Cytogenetic location: 14q11.2.
Variant type: single nucleotide variant.
Coding change: c.4429C>T on transcript NM_000257.4 (MANE Select); coding-DNA position 4429, C replaced by T.
Protein change: p.Leu1477Phe; replaces leucine 1477 with phenylalanine.
Molecular consequence: missense variant. On other transcripts: non-coding transcript variant (1).
Genome position (GRCh38, 1-based): chr14:23,417,243, G>A on the plus strand (C>T on the coding strand, the complement: MYH7 is on the minus strand). VCF-style: chr14-23417243-G-A. GRCh37 (hg19) VCF-style: chr14-23886452-G-A.
Other names: c.4429C>T, p.Leu1477Phe (NM_001407004.1); short protein forms L1477F.
Identifiers: ClinVar variation 3371961 (VCV003371961.1).
Genomic context (GRCh38, chr14:23,417,243, plus strand): 5'-TCTCCAGATGTTCCAGGGACTCCTCATAGGCGTTCTTGAGTTTGAAGAGCTCTGTGCTGA[G>A]GGAGCGAGCCTCCTTCTGCGAGGACTCCAGCTCCGACTGCGACTCCTCATACTTCTGCTT-3'
Protein context (NP_000248.2, residues 1467-1487): LESSQKEARS[Leu1477Phe]STELFKLKNA